The following is an entry in ClinVar:

ClinVar aggregate classification (germline): Uncertain significance (1 of 4 stars; one submission).

Allele frequency attached by ClinVar (database versions not stated): ExAC 0.00001; gnomAD exomes 0.00001.

Submission:

Ambry Genetics
Classification: Uncertain significance. Last evaluated: 2023-03-11. Review status: criteria provided, single submitter. Criteria: Ambry Variant Classification Scheme 2023. Collection method: clinical testing. Allele origin: germline.
Comment: The p.G289S variant (also known as c.865G>A), located in coding exon 2 of the EGLN2 gene, results from a G to A substitution at nucleotide position 865. The glycine at codon 289 is replaced by serine, an amino acid with similar properties. This amino acid position is conserved. In addition, this alteration is predicted to be deleterious by in silico analysis. Since supporting evidence is limited at this time, the clinical significance of this alteration remains unclear.

NM_080732.4(EGLN2):c.865G>A (p.Gly289Ser)

Genes: EGLN2 (egl-9 family hypoxia inducible factor 2; plus strand), RAB4B-EGLN2 (RAB4B-EGLN2 readthrough (NMD candidate); plus strand). Cytogenetic location: 19q13.2.
Variant type: single nucleotide variant.
Coding change: c.865G>A on transcript NM_080732.4 (MANE Select); coding-DNA position 865, G replaced by A.
Protein change: p.Gly289Ser; replaces glycine 289 with serine.
Molecular consequence: missense variant. On other transcripts: non-coding transcript variant (1).
Genome position (GRCh38, 1-based): chr19:40,806,576, G>A. VCF-style: chr19-40806576-G-A. GRCh37 (hg19) VCF-style: chr19-41312481-G-A.
Other names: c.865G>A, p.Gly289Ser (NM_053046.4); short protein forms G289S.
Identifiers: ClinVar variation 2497288 (VCV002497288.2), dbSNP rs751828886, ClinGen allele CA9452346.